The following is an entry in ClinVar:

ClinVar aggregate classification (germline): Uncertain significance (1 of 4 stars; one submission).

Conditions:
Vici syndrome (VICIS). Identifiers: Orphanet 1493, MedGen C1855772, MONDO:0009452, OMIM 242840.

Allele frequency attached by ClinVar (database versions not stated): TOPMed below 0.00001; gnomAD 0.00001.
gnomAD v4.1: 4 of 1,597,770 alleles (0.00025%); highest among the groups gnomAD compares: Non-Finnish European, 0.00034%; no homozygotes.

Submission:

Labcorp Genetics (formerly Invitae), Labcorp
Classification: Uncertain significance for Vici syndrome. Last evaluated: 2022-07-02. Review status: criteria provided, single submitter. Criteria: Invitae Variant Classification Sherloc (09022015). Collection method: clinical testing. Allele origin: germline.
Comment: In summary, the available evidence is currently insufficient to determine the role of this variant in disease. Therefore, it has been classified as a Variant of Uncertain Significance. Algorithms developed to predict the effect of missense changes on protein structure and function (SIFT, PolyPhen-2, Align-GVGD) all suggest that this variant is likely to be tolerated. This variant has not been reported in the literature in individuals affected with EPG5-related conditions. This variant is present in population databases (no rsID available, gnomAD 0.0009%). This sequence change replaces asparagine, which is neutral and polar, with serine, which is neutral and polar, at codon 1723 of the EPG5 protein (p.Asn1723Ser).

NM_020964.3(EPG5):c.5168A>G (p.Asn1723Ser)

Gene: EPG5 (ectopic P-granules 5 autophagy tethering factor; minus strand). Cytogenetic location: 18q12.3.
Variant type: single nucleotide variant.
Coding change: c.5168A>G on transcript NM_020964.3 (MANE Select); coding-DNA position 5168, A replaced by G.
Protein change: p.Asn1723Ser; replaces asparagine 1723 with serine.
Molecular consequence: missense variant.
Genome position (GRCh38, 1-based): chr18:45,884,753, T>C on the plus strand (A>G on the coding strand, the complement: EPG5 is on the minus strand). VCF-style: chr18-45884753-T-C. GRCh37 (hg19) VCF-style: chr18-43464718-T-C.
Other names: c.5168A>G, p.Asn1723Ser (NM_001410858.1, NM_001410859.1); short protein forms N1723S.
Identifiers: ClinVar variation 1954987 (VCV001954987.3), dbSNP rs1365692737, ClinGen allele CA402345703.